The following is an entry in ClinVar:

NM_013325.5(ATG4B):c.1017G>A (p.Leu339=)

Gene: ATG4B (autophagy related 4B cysteine peptidase; plus strand). Cytogenetic location: 2q37.3.
Variant type: single nucleotide variant.
Coding change: c.1017G>A on transcript NM_013325.5 (MANE Select); coding-DNA position 1017, G replaced by A.
Protein change: p.Leu339=; no amino-acid change (leucine 339 retained).
Molecular consequence: synonymous variant.
Genome position (GRCh38, 1-based): chr2:241,671,314, G>A. VCF-style: chr2-241671314-G-A. GRCh37 (hg19) VCF-style: chr2-242610729-G-A.
Other names: c.1017G>A, p.Leu339= (NM_178326.3).
Identifiers: ClinVar variation 2652116 (VCV002652116.24), dbSNP rs147409061, ClinGen allele CA2220834.

ClinVar aggregate classification (germline): Likely benign (1 of 4 stars; one submission).

Allele frequency attached by ClinVar (database versions not stated): 1000 Genomes Project 30x 0.00359; 1000 Genomes Project 0.00379; ESP Exome Variant Server 0.00605; ExAC 0.00739.
gnomAD v4.1: 11,694 of 1,612,480 alleles (0.73%); highest among the groups gnomAD compares: Middle Eastern, 1.1%; 55 homozygotes.

Submission:

CeGaT Center for Human Genetics Tuebingen
Classification: Likely benign. Last evaluated: 2023-02-01. Review status: criteria provided, single submitter. Criteria: CeGaT Center For Human Genetics Tuebingen Variant Classification Criteria Version 2. Collection method: clinical testing. Allele origin: germline. Affected: yes. Observed: 2 variant alleles.
Comment: ATG4B: BP4, BP7, BS2